The following is an entry in ClinVar:

ClinVar aggregate classification (germline): Uncertain significance (1 of 4 stars; one submission).

Conditions:
Hypertrophic cardiomyopathy. Also called: HYPERTROPHIC MYOCARDIOPATHY. Identifiers: Orphanet 217569, MedGen C0007194, MeSH D002312, MONDO:0005045, HP:0001639.

Allele frequency attached by ClinVar (database versions not stated): gnomAD exomes below 0.00001.
gnomAD v4.1: 1 of 1,613,942 alleles (0.000062%); highest among the groups gnomAD compares: Non-Finnish European, 0.000085%; no homozygotes.

Submission:

All of Us Research Program, National Institutes of Health
Classification: Uncertain significance for Hypertrophic cardiomyopathy. Last evaluated: 2023-05-15. Review status: criteria provided, single submitter. Criteria: ACMG Guidelines, 2015. Collection method: clinical testing. Allele origin: germline. Inheritance: Autosomal dominant inheritance. Observed: 1 variant allele, 1 heterozygote.
Comment: This missense variant replaces lysine with arginine at codon 103 of the PRKAG2 protein. Computational prediction suggests that this variant may not impact protein structure and function (internally defined REVEL score threshold <= 0.5, PMID: 27666373). To our knowledge, functional studies have not been reported for this variant. This variant has not been reported in individuals affected with PRKAG2-related disorders in the literature. This variant has not been identified in the general population by the Genome Aggregation Database (gnomAD). The available evidence is insufficient to determine the role of this variant in disease conclusively. Therefore, this variant is classified as a Variant of Uncertain Significance.

This study involves interpretation of variants in research participants for the purpose of population health screening. Participant phenotype was not available at the time of variant classification. Additional details can be found in publication PMID: 35346344, PMCID: PMC8962531

NM_016203.4(PRKAG2):c.308A>G (p.Lys103Arg)

Gene: PRKAG2 (protein kinase AMP-activated non-catalytic subunit gamma 2; minus strand). Cytogenetic location: 7q36.1.
Variant type: single nucleotide variant.
Coding change: c.308A>G on transcript NM_016203.4 (MANE Select); coding-DNA position 308, A replaced by G.
Protein change: p.Lys103Arg; replaces lysine 103 with arginine.
Molecular consequence: missense variant. On other transcripts: intron variant (1).
Genome position (GRCh38, 1-based): chr7:151,781,310, T>C on the plus strand (A>G on the coding strand, the complement: PRKAG2 is on the minus strand). VCF-style: chr7-151781310-T-C. GRCh37 (hg19) VCF-style: chr7-151478396-T-C.
Other names: c.176A>G, p.Lys59Arg (NM_001040633.2, NM_001407024.1, NM_001407026.1 and 2 more transcripts); c.308A>G, p.Lys103Arg (NM_001407021.1, NM_001407022.1, NM_001407023.1 and 2 more transcripts); c.148+33106A>G (NM_001407032.1); short protein forms K103R, K59R.
Identifiers: ClinVar variation 3070952 (VCV003070952.1), dbSNP rs2537922552, ClinGen allele CA370069703.
Genomic context (GRCh38, chr7:151,781,310, plus strand): 5'-AAGCTCATGCGTCGAGGGGAGCGTGGCGGGGACTCCTGGTAGGAGAACGGGAACACGGTT[T>C]TGGGAGAGCCGGGGCTGGTCTTGGGCCTCACAGGTGCAGACATGGGGCTGGAGGGCCGGG-3'
Protein context (NP_057287.2, residues 93-113): VRPKTSPGSP[Lys103Arg]TVFPFSYQES